The following is an entry in ClinVar:

ClinVar aggregate classification (germline): Uncertain significance. Review status: criteria provided, multiple submitters, no conflicts (2 of 4 stars). 2 submissions from 2 submitters: Uncertain significance (2). Last evaluated 2025-08-09.

Allele frequency attached by ClinVar (database versions not stated): gnomAD 0.00001; gnomAD exomes 0.00001; TOPMed 0.00001.
gnomAD v4.1: 11 of 1,608,404 alleles (0.00068%); highest among the groups gnomAD compares: African/African-American, 0.0027%; no homozygotes.

Submissions (2):

Ambry Genetics
Classification: Uncertain significance. Last evaluated: 2025-08-09. Review status: criteria provided, single submitter. Criteria: Ambry Variant Classification Scheme 2023. Collection method: clinical testing. Allele origin: germline.

Labcorp Genetics (formerly Invitae), Labcorp
Classification: Uncertain significance. Last evaluated: 2022-02-08. Review status: criteria provided, single submitter. Criteria: Invitae Variant Classification Sherloc (09022015). Collection method: clinical testing. Allele origin: germline.
Comment: This sequence change replaces tyrosine, which is neutral and polar, with cysteine, which is neutral and slightly polar, at codon 438 of the VPS33A protein (p.Tyr438Cys). This variant is present in population databases (no rsID available, gnomAD 0.003%). This variant has not been reported in the literature in individuals affected with VPS33A-related conditions. Algorithms developed to predict the effect of missense changes on protein structure and function (SIFT, PolyPhen-2, Align-GVGD) all suggest that this variant is likely to be tolerated. Algorithms developed to predict the effect of sequence changes on RNA splicing suggest that this variant may create or strengthen a splice site. In summary, the available evidence is currently insufficient to determine the role of this variant in disease. Therefore, it has been classified as a Variant of Uncertain Significance.

NM_022916.6(VPS33A):c.1313A>G (p.Tyr438Cys)

Gene: VPS33A (VPS33A core subunit of CORVET and HOPS complexes; minus strand). Cytogenetic location: 12q24.31.
Variant type: single nucleotide variant.
Coding change: c.1313A>G on transcript NM_022916.6 (MANE Select); coding-DNA position 1313, A replaced by G.
Protein change: p.Tyr438Cys; replaces tyrosine 438 with cysteine.
Molecular consequence: missense variant.
Genome position (GRCh38, 1-based): chr12:122,235,913, T>C on the plus strand (A>G on the coding strand, the complement: VPS33A is on the minus strand). VCF-style: chr12-122235913-T-C. GRCh37 (hg19) VCF-style: chr12-122720460-T-C.
Other names: c.1313A>G (NM_022916.4); c.1280A>G, p.Tyr427Cys (NM_001351018.2); c.1265A>G, p.Tyr422Cys (NM_001351019.2); c.992A>G, p.Tyr331Cys (NM_001351020.2); short protein forms Y427C, Y422C, Y331C, Y438C.
Identifiers: ClinVar variation 1917683 (VCV001917683.6), dbSNP rs1297136086, ClinGen allele CA387050440.